The following is an entry in ClinVar:

NM_001372.4(DNAH9):c.2666A>G (p.Asn889Ser)

Gene: DNAH9 (dynein axonemal heavy chain 9; plus strand). Cytogenetic location: 17p12.
Variant type: single nucleotide variant.
Coding change: c.2666A>G on transcript NM_001372.4 (MANE Select); coding-DNA position 2666, A replaced by G.
Protein change: p.Asn889Ser; replaces asparagine 889 with serine.
Molecular consequence: missense variant.
Genome position (GRCh38, 1-based): chr17:11,664,903, A>G. VCF-style: chr17-11664903-A-G. GRCh37 (hg19) VCF-style: chr17-11568220-A-G.
Other names: short protein forms N889S.
Identifiers: ClinVar variation 4984797 (VCV004984797.1).

ClinVar aggregate classification (germline): Uncertain significance (1 of 4 stars; one submission).

Conditions:
DNAH9-related disorder. Also called: DNAH9-related condition.

gnomAD v4.1: 16 of 1,612,988 alleles (0.00099%); highest among the groups gnomAD compares: Non-Finnish European, 0.00093%; no homozygotes.

Submission:

PreventionGenetics, part of Exact Sciences
Classification: Uncertain significance for DNAH9-related condition. Last evaluated: 2025-01-14. Review status: criteria provided, single submitter. Criteria: ACMG Guidelines, 2015. Collection method: clinical testing. Allele origin: germline.
Comment: The DNAH9 c.2666A>G variant is predicted to result in the amino acid substitution p.Asn889Ser. To our knowledge, this variant has not been reported in the literature. This variant is reported in 0.00088% of alleles in individuals of European (Non-Finnish) descent in gnomAD. At this time, the clinical significance of this variant is uncertain due to the absence of conclusive functional and genetic evidence.